The following is an entry in ClinVar:

ClinVar aggregate classification (germline): Uncertain significance (1 of 4 stars; one submission).

Conditions:
Ehlers-Danlos syndrome, type 4 (EDSVASC). Also called: Ehlers-Danlos syndrome vascular type; Ehlers Danlos syndrome, ecchymotic type; Ehlers Danlos syndrome, arterial type; Ehlers Danlos syndrome, Sack-Barabas type; Ehlers-Danlos Syndrome Type IV. Identifiers: Orphanet 286, MedGen C0268338, MONDO:0017314, OMIM 130050.

Submission:

All of Us Research Program, National Institutes of Health
Classification: Uncertain significance for Ehlers-Danlos syndrome, type 4. Last evaluated: 2024-08-06. Review status: criteria provided, single submitter. Criteria: ACMG Guidelines, 2015. Collection method: clinical testing. Allele origin: germline. Inheritance: Autosomal dominant inheritance. Observed: 1 variant allele, 1 heterozygote.
Comment: This study involves interpretation of variants in research participants for the purpose of population health screening. Participant phenotype was not available at the time of variant classification. Additional details can be found in publication PMID: 35346344, PMCID: PMC8962531

NM_000090.4(COL3A1):c.3909A>G (p.Ile1303Met)

Gene: COL3A1 (collagen type III alpha 1 chain; plus strand). Cytogenetic location: 2q32.2.
Variant type: single nucleotide variant.
Coding change: c.3909A>G on transcript NM_000090.4 (MANE Select); coding-DNA position 3909, A replaced by G.
Protein change: p.Ile1303Met; replaces isoleucine 1303 with methionine.
Molecular consequence: missense variant.
Genome position (GRCh38, 1-based): chr2:189,010,263, A>G. VCF-style: chr2-189010263-A-G. GRCh37 (hg19) VCF-style: chr2-189874989-A-G.
Other names: short protein forms I1303M.
Identifiers: ClinVar variation 3386498 (VCV003386498.1).